The following is an entry in ClinVar:

ClinVar aggregate classification (germline): Likely pathogenic (1 of 4 stars; one submission).

Submission:

Labcorp Genetics (formerly Invitae), Labcorp
Classification: Likely pathogenic. Last evaluated: 2023-11-27. Review status: criteria provided, single submitter. Criteria: Invitae Variant Classification Sherloc (09022015). Collection method: clinical testing. Allele origin: unknown.
Comment: This variant results in the deletion of exon(s) 3-6 and part of exon 7 (c.149+18_786del) of the GNAT1 gene. It is expected to disrupt RNA splicing. Variants that disrupt the donor or acceptor splice site typically lead to a loss of protein function (PMID: 16199547), and loss-of-function variants in GNAT1 are known to be pathogenic (PMID: 11095744, 31736247). This variant has not been reported in the literature in individuals affected with GNAT1-related conditions. In summary, the currently available evidence indicates that the variant is pathogenic, but additional data are needed to prove that conclusively. Therefore, this variant has been classified as Likely Pathogenic.

Literature cited by the submitters: PubMed 16199547; PubMed 11095744; PubMed 31736247.

NC_000003.11:g.(?_50230626)_(50232011_?)del

Gene: GNAT1 (G protein subunit alpha transducin 1; plus strand). Cytogenetic location: 3p21.31.
Variant type: Deletion.
Identifiers: ClinVar variation 3247058 (VCV003247058.1).